The following is an entry in ClinVar:

NM_000051.4(ATM):c.1197C>G (p.His399Gln)

Gene: ATM (ATM serine/threonine kinase; plus strand). Cytogenetic location: 11q22.3.
Variant type: single nucleotide variant.
Coding change: c.1197C>G on transcript NM_000051.4 (MANE Select); coding-DNA position 1197, C replaced by G.
Protein change: p.His399Gln; replaces histidine 399 with glutamine.
Molecular consequence: missense variant.
Genome position (GRCh38, 1-based): chr11:108,249,064, C>G. VCF-style: chr11-108249064-C-G. GRCh37 (hg19) VCF-style: chr11-108119791-C-G.
Other names: c.1197C>G, p.His399Gln (NM_001351834.2); short protein forms H399Q.
Identifiers: ClinVar variation 656311 (VCV000656311.8), dbSNP rs786201131, ClinGen allele CA382532586.

ClinVar aggregate classification (germline): Uncertain significance (1 of 4 stars; one submission).

Conditions:
Ataxia-telangiectasia syndrome (AT). Also called: ATAXIA-TELANGIECTASIA, FRESNO VARIANT; Ataxia-telangiectasia, complementation group D; Cerebello-oculocutaneous telangiectasia; Immunodeficiency with ataxia telangiectasia; Ataxia-telangiectasia; Ataxia telangiectasia (A-T). Identifiers: Orphanet 100, MedGen C0004135, MONDO:0008840, OMIM 208900.

Allele frequency attached by ClinVar (database versions not stated): gnomAD exomes below 0.00001.

Submission:

Labcorp Genetics (formerly Invitae), Labcorp
Classification: Uncertain significance for Ataxia-telangiectasia syndrome. Last evaluated: 2018-09-17. Review status: criteria provided, single submitter. Criteria: Invitae Variant Classification Sherloc (09022015). Collection method: clinical testing. Allele origin: germline.
Comment: This variant has not been reported in the literature in individuals with ATM-related disease. This sequence change replaces histidine with glutamine at codon 399 of the ATM protein (p.His399Gln). The histidine residue is weakly conserved and there is a small physicochemical difference between histidine and glutamine. This variant is not present in population databases (ExAC no frequency). Algorithms developed to predict the effect of missense changes on protein structure and function (SIFT, PolyPhen-2, Align-GVGD) all suggest that this variant is likely to be tolerated, but these predictions have not been confirmed by published functional studies and their clinical significance is uncertain. In summary, the available evidence is currently insufficient to determine the role of this variant in disease. Therefore, it has been classified as a Variant of Uncertain Significance.